The following is an entry in ClinVar:

NM_000238.4(KCNH2):c.2050A>G (p.Ile684Val)

Gene: KCNH2 (potassium voltage-gated channel subfamily H member 2; minus strand). Cytogenetic location: 7q36.1.
Variant type: single nucleotide variant.
Coding change: c.2050A>G on transcript NM_000238.4 (MANE Select); coding-DNA position 2050, A replaced by G.
Protein change: p.Ile684Val; replaces isoleucine 684 with valine.
Molecular consequence: missense variant.
Genome position (GRCh38, 1-based): chr7:150,951,016, T>C on the plus strand (A>G on the coding strand, the complement: KCNH2 is on the minus strand). VCF-style: chr7-150951016-T-C. GRCh37 (hg19) VCF-style: chr7-150648104-T-C.
Other names: c.1873A>G, p.Ile625Val (NM_001406755.1); c.1762A>G, p.Ile588Val (NM_001406756.1, NM_001406753.1); c.1750A>G, p.Ile584Val (NM_001406757.1); c.2050A>G, p.Ile684Val (NM_172056.3); c.1030A>G, p.Ile344Val (NM_172057.3, NM_001204798.2); short protein forms I344V, I684V, I588V, I625V, I584V.
Identifiers: ClinVar variation 1463165 (VCV001463165.9), dbSNP rs2116955179, ClinGen allele CA369857582.

ClinVar aggregate classification (germline): Uncertain significance. Review status: criteria provided, multiple submitters, no conflicts (2 of 4 stars). 3 submissions from 3 submitters: Uncertain significance (3). Last evaluated 2025-06-26.

Conditions:
Short QT syndrome type 1. Identifiers: Orphanet 51083, MedGen C1865020, MONDO:0012312, OMIM 609620.
Long QT syndrome 2 (LQT2). Identifiers: Orphanet 101016, Orphanet 768, MedGen C3150943, MONDO:0013367, OMIM 613688.
Cardiac arrhythmia. Also called: Cardiac rhythm disease; Arrhythmia. Identifiers: MedGen C0003811, MONDO:0007263, HP:0011675.
Long QT syndrome (LQTS). Identifiers: MedGen C0023976, MeSH D008133, MONDO:0002442. Disease mechanism: loss of function. Inheritance: Various modes of inheritance.

Allele frequency attached by ClinVar (database versions not stated): gnomAD exomes 0.00001.

Submissions (3):

Color Diagnostics, LLC DBA Color Health
Classification: Uncertain significance for Cardiac arrhythmia. Last evaluated: 2025-06-26. Review status: criteria provided, single submitter. Criteria: ACMG Guidelines, 2015. Collection method: clinical testing. Allele origin: germline.
Comment: This missense variant replaces isoleucine with valine at codon 684 of the KCNH2 protein. This variant is located within the conserved C-terminal cytoplasmic (aa 660-1159) of the KCNH2 protein. Rare non-truncating variants in this region have been shown to be significantly overrepresented in individuals with long QT syndrome (PMID: 32893267). Computational prediction suggests that this variant may have deleterious impact on protein structure and function. To our knowledge, functional studies have not been reported for this variant. This variant has not been reported in individuals affected with KCNH2-related disorders in the literature. This variant has not been identified in the general population by the Genome Aggregation Database (gnomAD). The available evidence is insufficient to determine the role of this variant in disease conclusively. Therefore, this variant is classified as a Variant of Uncertain Significance.

Labcorp Genetics (formerly Invitae), Labcorp
Classification: Uncertain significance for Long QT syndrome. Last evaluated: 2022-03-19. Review status: criteria provided, single submitter. Criteria: Invitae Variant Classification Sherloc (09022015). Collection method: clinical testing. Allele origin: germline.
Comment: This sequence change replaces isoleucine, which is neutral and non-polar, with valine, which is neutral and non-polar, at codon 684 of the KCNH2 protein (p.Ile684Val). This variant is not present in population databases (gnomAD no frequency). This variant has not been reported in the literature in individuals affected with KCNH2-related conditions. Algorithms developed to predict the effect of missense changes on protein structure and function (SIFT, PolyPhen-2, Align-GVGD) all suggest that this variant is likely to be disruptive. In summary, the available evidence is currently insufficient to determine the role of this variant in disease. Therefore, it has been classified as a Variant of Uncertain Significance.

Center for Genomics, Ann and Robert H. Lurie Children's Hospital of Chicago
Classification: Uncertain significance for Short QT syndrome type 1; Long QT syndrome 2. Review status: criteria provided, single submitter. Criteria: ACMG Guidelines, 2015. Collection method: clinical testing. Allele origin: germline.
Comment: KCNH2 NM_000238.3 exon 8 p.Ile684Val (c.2050A>G): This variant has not been reported in the literature and is not present in large control databases. Evolutionary conservation and computational predictive tools suggest that this variant may impact the protein. In summary, data on this variant is insufficient for disease classification. Therefore, the clinical significance of this variant is uncertain.

Literature cited by the submitters: PubMed 32893267 (cited by Color Diagnostics, LLC DBA Color Health).